The following is an entry in ClinVar:

ClinVar aggregate classification (germline): Uncertain significance (1 of 4 stars; one submission).

Conditions:
PLXNA1-related disorder. Also called: PLXNA1-related condition.

gnomAD v4.1: 1 of 1,613,160 alleles (0.000062%); highest among the groups gnomAD compares: Non-Finnish European, 0.000085%; no homozygotes.

Submission:

PreventionGenetics, part of Exact Sciences
Classification: Uncertain significance for PLXNA1-related condition. Last evaluated: 2024-12-30. Review status: criteria provided, single submitter. Criteria: ACMG Guidelines, 2015. Collection method: clinical testing. Allele origin: germline.
Comment: The PLXNA1 c.3581C>T variant is predicted to result in the amino acid substitution p.Ser1194Phe. To our knowledge, this variant has not been reported in the literature or in a large population database (gnomAD), indicating this variant is rare. At this time, the clinical significance of this variant is uncertain due to the absence of conclusive functional and genetic evidence.

NM_032242.4(PLXNA1):c.3581C>T (p.Ser1194Phe)

Gene: PLXNA1 (plexin A1; plus strand). Cytogenetic location: 3q21.3.
Variant type: single nucleotide variant.
Coding change: c.3581C>T on transcript NM_032242.4 (MANE Select); coding-DNA position 3581, C replaced by T.
Protein change: p.Ser1194Phe; replaces serine 1194 with phenylalanine.
Molecular consequence: missense variant.
Genome position (GRCh38, 1-based): chr3:127,017,813, C>T. VCF-style: chr3-127017813-C-T. GRCh37 (hg19) VCF-style: chr3-126736656-C-T.
Other names: short protein forms S1194F.
Identifiers: ClinVar variation 4985924 (VCV004985924.1).